The following is an entry in ClinVar:

ClinVar aggregate classification (germline): Likely benign (1 of 4 stars; one submission).

Submission:

CeGaT Center for Human Genetics Tuebingen
Classification: Likely benign. Last evaluated: 2026-04-01. Review status: criteria provided, single submitter. Criteria: CeGaT Center For Human Genetics Tuebingen Variant Classification Criteria Version 2. Collection method: clinical testing. Allele origin: germline. Affected: yes. Observed: 1 variant allele.
Comment: DYSF: PM2:Supporting, BP4, BP7

NM_001130987.2(DYSF):c.903C>T (p.Asn301=)

Gene: DYSF (dysferlin; plus strand). Cytogenetic location: 2p13.2.
Variant type: single nucleotide variant.
Coding change: c.903C>T on transcript NM_001130987.2 (MANE Select); coding-DNA position 903, C replaced by T.
Protein change: p.Asn301=; no amino-acid change (asparagine 301 retained).
Molecular consequence: synonymous variant.
Genome position (GRCh38, 1-based): chr2:71,516,194, C>T. VCF-style: chr2-71516194-C-T. GRCh37 (hg19) VCF-style: chr2-71743324-C-T.
Other names: c.810C>T, p.Asn270= (NM_001130455.2, NM_001130983.2, NM_001130984.2 and 1 more transcripts); c.807C>T, p.Asn269= (NM_001130976.2, NM_001130977.2, NM_001130978.2 and 1 more transcripts); c.900C>T, p.Asn300= (NM_001130979.2, NM_001130980.2, NM_001130981.2); c.903C>T, p.Asn301= (NM_001130982.2, NM_001130985.2).
Identifiers: ClinVar variation 4874538 (VCV004874538.2).
Genomic context (GRCh38, chr2:71,516,194, plus strand): 5'-GGGATCAGCAGGCACTGATATGTCTCTCTTTGCTCTGAACCAACAGACTCTTTTCTTCAA[C>T]TTGTTTGACTCTCCTGGGGAGCTGTTTGATGAGCCCATCTTTATCACGGTATGTCTCAGC-3'
Protein context (NP_001124459.1, residues 291-311): SPLFNETLFF[Asn301=]LFDSPGELFD